The following is an entry in ClinVar:

ClinVar aggregate classification (germline): Uncertain significance. Review status: criteria provided, multiple submitters, no conflicts (2 of 4 stars). 3 submissions from 3 submitters: Uncertain significance (3). Last evaluated 2024-08-06.

Conditions:
Inborn genetic diseases. Identifiers: MedGen C0950123, MeSH D030342.
Hereditary spastic paraplegia 48. Also called: SPASTIC PARAPLEGIA 48, AUTOSOMAL RECESSIVE; Spastic paraplegia 48. Identifiers: Orphanet 306511, MedGen C3150901, MONDO:0013342, OMIM 613647.

Allele frequency attached by ClinVar (database versions not stated): TOPMed below 0.00001; gnomAD exomes 0.00001 and 0.00006.
gnomAD v4.1: 14 of 1,551,166 alleles (0.0009%); highest among the groups gnomAD compares: Admixed American, 0.025%; no homozygotes.

Submissions (3):

Ambry Genetics
Classification: Uncertain significance for Inborn genetic diseases. Last evaluated: 2024-08-06. Review status: criteria provided, single submitter. Criteria: Ambry Variant Classification Scheme 2023. Collection method: clinical testing. Allele origin: germline.

GeneDx
Classification: Uncertain significance. Last evaluated: 2024-06-25. Review status: criteria provided, single submitter. Criteria: GeneDx Variant Classification Process June 2021. Collection method: clinical testing. Allele origin: germline. Affected: yes.
Comment: In silico analysis supports that this missense variant has a deleterious effect on protein structure/function; Has not been previously published as pathogenic or benign to our knowledge

Labcorp Genetics (formerly Invitae), Labcorp
Classification: Uncertain significance for Hereditary spastic paraplegia 48. Last evaluated: 2022-07-19. Review status: criteria provided, single submitter. Criteria: Invitae Variant Classification Sherloc (09022015). Collection method: clinical testing. Allele origin: germline.
Comment: This sequence change replaces tyrosine, which is neutral and polar, with histidine, which is basic and polar, at codon 591 of the AP5Z1 protein (p.Tyr591His). ClinVar contains an entry for this variant (Variation ID: 567625). This variant has not been reported in the literature in individuals affected with AP5Z1-related conditions. This variant is present in population databases (no rsID available, gnomAD 0.04%). Algorithms developed to predict the effect of missense changes on protein structure and function are either unavailable or do not agree on the potential impact of this missense change (SIFT: "Deleterious"; PolyPhen-2: "Probably Damaging"; Align-GVGD: "Class C0"). In summary, the available evidence is currently insufficient to determine the role of this variant in disease. Therefore, it has been classified as a Variant of Uncertain Significance.

NM_014855.3(AP5Z1):c.1771T>C (p.Tyr591His)

Gene: AP5Z1 (adaptor related protein complex 5 subunit zeta 1; plus strand). Cytogenetic location: 7p22.1.
Variant type: single nucleotide variant.
Coding change: c.1771T>C on transcript NM_014855.3 (MANE Select); coding-DNA position 1771, T replaced by C.
Protein change: p.Tyr591His; replaces tyrosine 591 with histidine.
Molecular consequence: missense variant. On other transcripts: non-coding transcript variant (1).
Genome position (GRCh38, 1-based): chr7:4,789,895, T>C. VCF-style: chr7-4789895-T-C. GRCh37 (hg19) VCF-style: chr7-4829526-T-C.
Other names: c.1303T>C, p.Tyr435His (NM_001364858.1); c.1771T>C, p.Tyr591His (LRG_1247t1); short protein forms Y591H, Y435H.
Identifiers: ClinVar variation 567625 (VCV000567625.10), dbSNP rs1490632344, ClinGen allele CA366663750.
Genomic context (GRCh38, chr7:4,789,895, plus strand): 5'-GCTGACGGGTCCCTGATCAACCAGCTGGCGCTGCTGCTCCTGGGCAGGAGCGACTCGCTC[T>C]ACCCGGCCCCAGGGTACGCTGCCGGTGTGCACAGGTAGGTCCCTCCTGCGCTCCTGCCAC-3'
Protein context (NP_055670.1, residues 581-601): LLLLGRSDSL[Tyr591His]PAPGYAAGVH